The following is an entry in ClinVar:

ClinVar aggregate classification (germline): Conflicting classifications of pathogenicity. Review status: criteria provided, conflicting classifications (1 of 4 stars). 7 submissions from 7 submitters: Uncertain significance (5); Likely benign (2). Last evaluated 2026-02-10.

Conditions:
TTN-related disorder. Also called: TTN-related condition; TTN-related disease; TTN-related disorders.
Cardiovascular phenotype. Identifiers: MedGen CN230736.
Autosomal recessive limb-girdle muscular dystrophy type 2J (LGMDR10). Also called: MUSCULAR DYSTROPHY, LIMB-GIRDLE, AUTOSOMAL RECESSIVE 10; Limb-girdle muscular dystrophy, type 2J. Identifiers: Orphanet 140922, MedGen C1837342, MONDO:0012127, OMIM 608807.
Dilated cardiomyopathy 1G (CMD1G). Identifiers: Orphanet 154, MedGen C1858763, MONDO:0011400, OMIM 604145.
Cardiomyopathy (CMYO). Also called: Cardiomyopathies. Identifiers: Orphanet 167848, MedGen C0878544, MONDO:0004994, HP:0001638. Inheritance: Various modes of inheritance.

Allele frequency attached by ClinVar (database versions not stated): gnomAD 0.00001; ExAC 0.00002; gnomAD exomes 0.00003 and 0.00006; TOPMed 0.00005.
gnomAD v4.1: 47 of 1,613,866 alleles (0.0029%); highest among the groups gnomAD compares: Admixed American, 0.013%; no homozygotes.

Submissions (7):

PreventionGenetics, part of Exact Sciences
Classification: Uncertain significance for TTN-related condition. Last evaluated: 2026-02-10. Review status: criteria provided, single submitter. Criteria: ACMG Guidelines, 2015. Collection method: clinical testing. Allele origin: germline.
Comment: The TTN c.104282G>A variant is predicted to result in the amino acid substitution p.Arg34761Gln. To our knowledge, this variant has not been reported in the literature. This variant is reported in 0.014% of alleles in individuals of Latino descent in gnomAD. At this time, the clinical significance of this variant is uncertain due to the absence of conclusive functional and genetic evidence.

Revvity Omics, Revvity
Classification: Uncertain significance. Last evaluated: 2023-09-13. Review status: criteria provided, single submitter. Criteria: ACMG Guidelines, 2015. Collection method: clinical testing. Allele origin: germline.

Blueprint Genetics
Classification: Likely benign. Last evaluated: 2023-03-22. Review status: criteria provided, single submitter. Criteria: ACMG Guidelines, 2015. Collection method: clinical testing. Allele origin: germline.

CHEO Genetics Diagnostic Laboratory, Children's Hospital of Eastern Ontario
Classification: Likely benign for Cardiomyopathy. Last evaluated: 2022-07-15. Review status: criteria provided, single submitter. Criteria: ACMG Guidelines, 2015. Collection method: clinical testing. Allele origin: germline.

Ambry Genetics
Classification: Uncertain significance for Cardiovascular phenotype. Last evaluated: 2020-06-05. Review status: criteria provided, single submitter. Criteria: Ambry Variant Classification Scheme 2023. Collection method: clinical testing. Allele origin: germline.
Comment: The p.R25696Q variant (also known as c.77087G>A), located in coding exon 185 of the TTN gene, results from a G to A substitution at nucleotide position 77087. The arginine at codon 25696 is replaced by glutamine, an amino acid with highly similar properties. This amino acid position is not well conserved in available vertebrate species. In addition, this alteration is predicted to be tolerated by in silico analysis. Since supporting evidence is limited at this time, the clinical significance of this alteration remains unclear.

Eurofins Ntd Llc (ga)
Classification: Uncertain significance. Last evaluated: 2018-01-04. Review status: criteria provided, single submitter. Criteria: EGL Classification Definitions 2015. Collection method: clinical testing. Allele origin: germline. Observed: 2 variant alleles, 2 heterozygotes.

Labcorp Genetics (formerly Invitae), Labcorp
Classification: Uncertain significance for Dilated cardiomyopathy 1G; Autosomal recessive limb-girdle muscular dystrophy type 2J. Last evaluated: 2016-10-09. Review status: criteria provided, single submitter. Criteria: Invitae Variant Classification Sherloc (09022015). Collection method: clinical testing. Allele origin: germline.

NM_001267550.2(TTN):c.104282G>A (p.Arg34761Gln)

Genes: TTN (titin; minus strand), TTN-AS1 (TTN antisense RNA 1; plus strand). Cytogenetic location: 2q31.2.
Variant type: single nucleotide variant.
Coding change: c.104282G>A on transcript NM_001267550.2 (MANE Select); coding-DNA position 104282, G replaced by A.
Protein change: p.Arg34761Gln; replaces arginine 34761 with glutamine.
Molecular consequence: missense variant.
Genome position (GRCh38, 1-based): chr2:178,532,333, C>T on the plus strand (G>A on the coding strand, the complement: TTN is on the minus strand). VCF-style: chr2-178532333-C-T. GRCh37 (hg19) VCF-style: chr2-179397060-C-T.
Other names: c.99359G>A, p.Arg33120Gln (NM_001256850.1); c.77087G>A, p.Arg25696Gln (NM_003319.4); c.96578G>A, p.Arg32193Gln (NM_133378.4); c.77462G>A, p.Arg25821Gln (NM_133432.3); c.77663G>A, p.Arg25888Gln (NM_133437.4); short protein forms R25696Q, R34761Q, R32193Q, R25821Q, R25888Q, R33120Q.
Identifiers: ClinVar variation 264486 (VCV000264486.15), dbSNP rs200773170, ClinGen allele CA1985448.